The following is an entry in ClinVar:

NM_033026.6(PCLO):c.3853G>A (p.Val1285Met)

Gene: PCLO (piccolo presynaptic cytomatrix protein; minus strand). Cytogenetic location: 7q21.11.
Variant type: single nucleotide variant.
Coding change: c.3853G>A on transcript NM_033026.6 (MANE Select); coding-DNA position 3853, G replaced by A.
Protein change: p.Val1285Met; replaces valine 1285 with methionine.
Molecular consequence: missense variant.
Genome position (GRCh38, 1-based): chr7:82,965,935, C>T on the plus strand (G>A on the coding strand, the complement: PCLO is on the minus strand). VCF-style: chr7-82965935-C-T. GRCh37 (hg19) VCF-style: chr7-82595251-C-T.
Other names: c.3853G>A, p.Val1285Met (NM_014510.3); short protein forms V1285M.
Identifiers: ClinVar variation 2417770 (VCV002417770.3), dbSNP rs367853005, ClinGen allele CA161159907.
Genomic context (GRCh38, chr7:82,965,935, plus strand): 5'-TCTGAGGTGTGCCAGATGGTAAACCTTCCATCTTGGTCTGTGGTTGTTTCCCTTCTTGCA[C>T]TGTCTTTGGAGCCACTCTGCCTTCAAGCTTTTCTTCAGCAATTTGTACTTGAGATTTAAG-3'
Protein context (NP_149015.2, residues 1275-1295): KLEGRVAPKT[Val1285Met]QEGKQPQTKM

ClinVar aggregate classification (germline): Uncertain significance (1 of 4 stars; one submission).

Allele frequency attached by ClinVar (database versions not stated): gnomAD exomes below 0.00001; TOPMed 0.00003; ESP Exome Variant Server 0.00016.
gnomAD v4.1: 9 of 1,613,786 alleles (0.00056%); highest among the groups gnomAD compares: African/African-American, 0.011%; no homozygotes.

Submission:

Labcorp Genetics (formerly Invitae), Labcorp
Classification: Uncertain significance. Last evaluated: 2022-06-08. Review status: criteria provided, single submitter. Criteria: Invitae Variant Classification Sherloc (09022015). Collection method: clinical testing. Allele origin: germline.
Comment: This sequence change replaces valine, which is neutral and non-polar, with methionine, which is neutral and non-polar, at codon 1285 of the PCLO protein (p.Val1285Met). This variant is present in population databases (rs367853005, gnomAD 0.008%). This variant has not been reported in the literature in individuals affected with PCLO-related conditions. Algorithms developed to predict the effect of missense changes on protein structure and function output the following: SIFT: "Tolerated"; PolyPhen-2: "Not Available"; Align-GVGD: "Class C0". The methionine amino acid residue is found in multiple mammalian species, which suggests that this missense change does not adversely affect protein function. In summary, the available evidence is currently insufficient to determine the role of this variant in disease. Therefore, it has been classified as a Variant of Uncertain Significance.